The following is an entry in ClinVar:

ClinVar aggregate classification (germline): Pathogenic/Likely pathogenic. Review status: criteria provided, multiple submitters, no conflicts (2 of 4 stars). 6 submissions from 6 submitters: Pathogenic (3); Likely pathogenic (2). 1 of the submissions does not count toward it. Last evaluated 2026-01-26.

Conditions:
RCBTB1-related disorder. Also called: RCBTB1-related condition.
RCBTB1-related retinopathy. Also called: Retinal dystrophy with or without extraocular anomalies. Identifiers: MedGen C4310680, MONDO:0014955, OMIM 617175.
Coats disease. Also called: NDP-Related Coats Disease; RETINAL TELANGIECTASIS. Identifiers: Orphanet 190, MedGen C5964756, MONDO:0010269, OMIM 300216.

Submissions (6):

Medical and Scientific Branch, Hong Kong Genome Institute
Classification: Pathogenic for RCBTB1-related retinopathy. Last evaluated: 2026-01-26. Review status: criteria provided, single submitter. Criteria: ACMG Guidelines, 2015. Collection method: clinical testing. Allele origin: unknown. Affected: yes.

Labcorp Genetics (formerly Invitae), Labcorp
Classification: Pathogenic. Last evaluated: 2025-09-04. Review status: criteria provided, single submitter. Criteria: Invitae Variant Classification Sherloc (09022015). Collection method: clinical testing. Allele origin: germline.
Comment: This sequence change creates a premature translational stop signal (p.Asn236Thrfs*11) in the RCBTB1 gene. It is expected to result in an absent or disrupted protein product. Loss-of-function variants in RCBTB1 are known to be pathogenic (PMID: 31494449). This variant is present in population databases (rs777630688, gnomAD 0.2%). This premature translational stop signal has been observed in individual(s) with Coats disease and retinal dystrophy (PMID: 26908610, 31494449). ClinVar contains an entry for this variant (Variation ID: 224622). For these reasons, this variant has been classified as Pathogenic.

SingHealth Duke-NUS Institute of Precision Medicine
Classification: Likely pathogenic for RCBTB1-related retinopathy. Last evaluated: 2025-02-05. Review status: criteria provided, single submitter. Criteria: PRISM ACMG Classification Criteria. Collection method: clinical testing. Allele origin: germline. Affected: yes.
Comment: Variant is predicted to cause nonsense-mediated decay in a gene where LOF is a known cause of pathogenicity (PVS1). Homozygous allele count in gnomAD exomes and genomes are less than 0 (PM2).

Blueprint Genetics
Classification: Likely pathogenic for RCBTB1-related disorders. Last evaluated: 2023-04-28. Review status: criteria provided, single submitter. Criteria: ACMG Guidelines, 2015. Collection method: clinical testing. Allele origin: germline. Affected: yes. Observed: 5 variant alleles.

3billion
Classification: Pathogenic for RCBTB1-related retinopathy. Last evaluated: 2022-05-22. Review status: criteria provided, single submitter. Criteria: ACMG Guidelines, 2015. Collection method: clinical testing. Allele origin: germline. Affected: yes. Observed: 1 homozygote.
Comment: The variant is observed at an extremely low frequency in the gnomAD v2.1.1 dataset (total allele frequency: 0.012%). Frameshift: predicted to result in a loss or disruption of normal protein function through nonsense-mediated decay (NMD) or protein truncation. Multiple pathogenic variants are reported downstream of the variant. The homozygous variant is shared with the affected family members (3billion dataset). The variant has been reported to be associated with RCBTB1 related disorder (ClinVar ID: VCV000224622). Therefore, this variant is classified as pathogenic according to the recommendation of ACMG/AMP guideline.

Laboratory of Human Molecular Genetics, Department of Medical Research, Taipei Veterans General Hospital
Classification: Likely pathogenic for Coats disease. Review status: no assertion criteria provided. Collection method: research. Allele origin: germline. Affected: yes. Observed: 2 variant alleles. Not counted in ClinVar's aggregate classification.

Literature cited by the submitters: PubMed 31494449 (cited by Labcorp Genetics (formerly Invitae), Labcorp); PubMed 26908610 (cited by Labcorp Genetics (formerly Invitae), Labcorp and Laboratory of Human Molecular Genetics, Department of Medical Research, Taipei Veterans General Hospital).

NM_018191.4(RCBTB1):c.707del (p.Asn236fs)

Gene: RCBTB1 (RCC1 and BTB domain containing protein 1; minus strand). Cytogenetic location: 13q14.2.
Variant type: Deletion.
Coding change: c.707del on transcript NM_018191.4 (MANE Select); coding-DNA position 707, one base deleted (A; older notation c.707delA).
Protein change: p.Asn236fs; shifts the reading frame from asparagine 236.
Molecular consequence: frameshift variant. On other transcripts: non-coding transcript variant (2).
Genome position (GRCh38, 1-based): chr13:49,552,182, T deleted on the plus strand (A on the coding strand, the reverse complement: RCBTB1 is on the minus strand); the first of 2 consecutive T bases (chr13:49,552,182-49,552,183); deleting either gives the same sequence. VCF-style (leftmost placement, unchanged base first): chr13-49552181-GT-G. GRCh37 (hg19) VCF-style: chr13-50126317-GT-G.
Other names: c.707del (NM_018191.3); c.707del, p.Asn236fs (NM_001352500.2, NM_001352501.2, NM_001352502.2 and 3 more transcripts); c.128del, p.Asn43fs (NM_001352506.2); short protein forms N236fs, N43fs.
Identifiers: ClinVar variation 224622 (VCV000224622.13), dbSNP rs777630688, ClinGen allele CA351357.
Genomic context (GRCh38, chr13:49,552,181, plus strand): 5'-AAGTTAGAGCAAGGAAGGTAGATGGGAAGCCACTAACTGAGAGTGCACCACACGTACCTG[GT>G]TCACACACACGCTGTGCAAAGCTGCCACTCTCACAGGGGTCAGCTGGTTGCCATTGTTTC-3'